The following is an entry in ClinVar:

ClinVar aggregate classification (germline): Benign. Review status: criteria provided, multiple submitters, no conflicts (2 of 4 stars). 2 submissions from 2 submitters: Benign (2). Last evaluated 2018-06-14.

Allele frequency attached by ClinVar (database versions not stated): gnomAD exomes 0.00372; gnomAD 0.03009 and 0.03226; TOPMed 0.03355; 1000 Genomes Project 0.03694; 1000 Genomes Project 30x 0.04060.
gnomAD v4.1: 5,714 of 455,944 alleles (1.3%); highest among the groups gnomAD compares: African/African-American, 10%; 279 homozygotes.

Submissions (2):

GeneDx
Classification: Benign. Last evaluated: 2018-06-14. Review status: criteria provided, single submitter. Criteria: GeneDx Variant Classification (06012015). Collection method: clinical testing. Allele origin: germline. Affected: yes.
Comment: This variant is considered likely benign or benign based on one or more of the following criteria: it is a conservative change, it occurs at a poorly conserved position in the protein, it is predicted to be benign by multiple in silico algorithms, and/or has population frequency not consistent with disease.

Breakthrough Genomics
Classification: Benign. Review status: criteria provided, single submitter. Criteria: ACMG Guidelines, 2015. Collection method: not provided. Allele origin: germline. Inheritance: Unknown mechanism. Affected: yes.

NM_018006.5(TRMU):c.873+244A>G

Gene: TRMU (tRNA mitochondrial 2-thiouridylase; plus strand). Cytogenetic location: 22q13.31.
Variant type: single nucleotide variant.
Coding change: c.873+244A>G on transcript NM_018006.5 (MANE Select); 244 bases into the intron after coding-DNA position 873, A replaced by G.
Molecular consequence: intron variant.
Genome position (GRCh38, 1-based): chr22:46,354,111, A>G. VCF-style: chr22-46354111-A-G. GRCh37 (hg19) VCF-style: chr22-46750008-A-G.
Other names: c.873+244A>G (NM_001282785.2); c.531+244A>G (NM_001282782.2); c.453+244A>G (NM_001282783.2, NM_001282784.2).
Identifiers: ClinVar variation 684279 (VCV000684279.2), dbSNP rs2839855, ClinGen allele CA14978153.